The following is an entry in ClinVar:

NM_003722.5(TP63):c.1110C>A (p.Asn370Lys)

Gene: TP63 (tumor protein p63; plus strand). Cytogenetic location: 3q28.
Variant type: single nucleotide variant.
Coding change: c.1110C>A on transcript NM_003722.5 (MANE Select); coding-DNA position 1110, C replaced by A.
Protein change: p.Asn370Lys; replaces asparagine 370 with lysine.
Molecular consequence: missense variant.
Genome position (GRCh38, 1-based): chr3:189,868,697, C>A. VCF-style: chr3-189868697-C-A. GRCh37 (hg19) VCF-style: chr3-189586486-C-A.
Other names: c.1110C>A, p.Asn370Lys (NM_001114978.2, NM_001114979.2, NM_001329144.2 and 1 more transcripts); c.828C>A, p.Asn276Lys (NM_001114980.2, NM_001114981.2, NM_001114982.2 and 2 more transcripts); c.573C>A, p.Asn191Lys (NM_001329146.2, NM_001329150.2); c.1104C>A, p.Asn368Lys (NM_001329964.2); short protein forms N368K, N370K, N191K, N276K.
Identifiers: ClinVar variation 2078296 (VCV002078296.3), dbSNP rs375593834, ClinGen allele CA355755341.

ClinVar aggregate classification (germline): Uncertain significance (1 of 4 stars; one submission).

Conditions:
TP63-Related Spectrum Disorders.

gnomAD v4.1: 1 of 1,613,984 alleles (0.000062%); no homozygotes.

Submission:

Labcorp Genetics (formerly Invitae), Labcorp
Classification: Uncertain significance. Last evaluated: 2022-09-17. Review status: criteria provided, single submitter. Criteria: Invitae Variant Classification Sherloc (09022015). Collection method: clinical testing. Allele origin: germline.
Comment: This variant has not been reported in the literature in individuals affected with TP63-related conditions. Algorithms developed to predict the effect of missense changes on protein structure and function (SIFT, PolyPhen-2, Align-GVGD) all suggest that this variant is likely to be tolerated. This variant is present in population databases (no rsID available, gnomAD no frequency). This sequence change replaces asparagine, which is neutral and polar, with lysine, which is basic and polar, at codon 370 of the TP63 protein (p.Asn370Lys). Algorithms developed to predict the effect of sequence changes on RNA splicing suggest that this variant may create or strengthen a splice site. In summary, the available evidence is currently insufficient to determine the role of this variant in disease. Therefore, it has been classified as a Variant of Uncertain Significance.